The following is an entry in ClinVar:

NM_001375524.1(TRRAP):c.6301A>T (p.Thr2101Ser)

Gene: TRRAP (transformation/transcription domain associated protein; plus strand). Cytogenetic location: 7q22.1.
Variant type: single nucleotide variant.
Coding change: c.6301A>T on transcript NM_001375524.1 (MANE Select); coding-DNA position 6301, A replaced by T.
Protein change: p.Thr2101Ser; replaces threonine 2101 with serine.
Molecular consequence: missense variant.
Genome position (GRCh38, 1-based): chr7:98,958,050, A>T. VCF-style: chr7-98958050-A-T. GRCh37 (hg19) VCF-style: chr7-98555673-A-T.
Other names: c.6280A>T, p.Thr2094Ser (NM_001244580.2); c.6226A>T, p.Thr2076Ser (NM_003496.4); short protein forms T2101S, T2094S, T2076S.
Identifiers: ClinVar variation 2529536 (VCV002529536.5), dbSNP rs782554031, ClinGen allele CA4360811.

ClinVar aggregate classification (germline): Uncertain significance. Review status: criteria provided, multiple submitters, no conflicts (2 of 4 stars). 2 submissions from 2 submitters: Uncertain significance (2). Last evaluated 2023-04-25.

Conditions:
Inborn genetic diseases. Identifiers: MedGen C0950123, MeSH D030342.

Allele frequency attached by ClinVar (database versions not stated): gnomAD exomes below 0.00001; ExAC 0.00001.
gnomAD v4.1: 2 of 1,614,226 alleles (0.00012%); highest among the groups gnomAD compares: Admixed American, 0.0033%; no homozygotes.

Submissions (2):

Labcorp Genetics (formerly Invitae), Labcorp
Classification: Uncertain significance. Last evaluated: 2023-04-25. Review status: criteria provided, single submitter. Criteria: Invitae Variant Classification Sherloc (09022015). Collection method: clinical testing. Allele origin: germline.
Comment: In summary, the available evidence is currently insufficient to determine the role of this variant in disease. Therefore, it has been classified as a Variant of Uncertain Significance. Advanced modeling of protein sequence and biophysical properties (such as structural, functional, and spatial information, amino acid conservation, physicochemical variation, residue mobility, and thermodynamic stability) performed at Invitae indicates that this missense variant is not expected to disrupt TRRAP protein function. This variant has not been reported in the literature in individuals affected with TRRAP-related conditions. This variant is present in population databases (rs782554031, gnomAD 0.006%). This sequence change replaces threonine, which is neutral and polar, with serine, which is neutral and polar, at codon 2076 of the TRRAP protein (p.Thr2076Ser).

Ambry Genetics
Classification: Uncertain significance for Inborn genetic diseases. Last evaluated: 2023-03-24. Review status: criteria provided, single submitter. Criteria: Ambry Variant Classification Scheme 2023. Collection method: clinical testing. Allele origin: germline.